The following is an entry in ClinVar:

NM_017635.5(KMT5B):c.2192del (p.Asn731fs)

Gene: KMT5B (lysine methyltransferase 5B; minus strand). Cytogenetic location: 11q13.2.
Variant type: Deletion.
Coding change: c.2192del on transcript NM_017635.5 (MANE Select); coding-DNA position 2192, one base deleted (A; older notation c.2192delA).
Protein change: p.Asn731fs; shifts the reading frame from asparagine 731.
Molecular consequence: frameshift variant.
Genome position (GRCh38, 1-based): chr11:68,158,154, T deleted on the plus strand (A on the coding strand, the reverse complement: KMT5B is on the minus strand); the first of 3 consecutive T bases (chr11:68,158,154-68,158,156); deleting any one gives the same sequence. VCF-style (leftmost placement, unchanged base first): chr11-68158153-AT-A. GRCh37 (hg19) VCF-style: chr11-67925620-AT-A.
Other names: c.1676del, p.Asn559fs (NM_001300907.1, NM_001369428.1, NM_001369429.1 and 4 more transcripts); c.1472del, p.Asn491fs (NM_001300908.2); c.2192del, p.Asn731fs (NM_001369426.1); short protein forms N559fs, N731fs, N491fs.
Identifiers: ClinVar variation 2539732 (VCV002539732.2), dbSNP rs2496187186, ClinGen allele CA2580615743.

ClinVar aggregate classification (germline): Pathogenic (1 of 4 stars; one submission).

Conditions:
Inborn genetic diseases. Identifiers: MedGen C0950123, MeSH D030342.

Submission:

Ambry Genetics
Classification: Pathogenic for Inborn genetic diseases. Last evaluated: 2023-06-01. Review status: criteria provided, single submitter. Criteria: Ambry Variant Classification Scheme 2023. Collection method: clinical testing. Allele origin: germline.
Comment: The c.2192delA (p.N731Mfs*8) alteration, located in exon 11 (coding exon 10) of the KMT5B gene, consists of a deletion of one nucleotide at position 2192, causing a translational frameshift with a predicted alternate stop codon after 8 amino acids. This alteration occurs at the 3' terminus of the KMT5B gene, is not expected to trigger nonsense-mediated mRNA decay, and impacts the last 17.5% of the protein. Premature stop codons are typically deleterious in nature, the impacted region is critical for protein function, and a significant portion of the protein is affected (Ambry internal data). This variant was not reported in population-based cohorts in the Genome Aggregation Database (gnomAD). Based on the available evidence, this alteration is classified as pathogenic.